The following is an entry in ClinVar:

ClinVar aggregate classification (germline): Uncertain significance (1 of 4 stars; one submission).

Allele frequency attached by ClinVar (database versions not stated): gnomAD exomes 0.00001.
gnomAD v4.1: 9 of 1,610,476 alleles (0.00056%); highest among the groups gnomAD compares: Non-Finnish European, 0.00076%; no homozygotes.

Submission:

Labcorp Genetics (formerly Invitae), Labcorp
Classification: Uncertain significance. Last evaluated: 2024-03-09. Review status: criteria provided, single submitter. Criteria: Invitae Variant Classification Sherloc (09022015). Collection method: clinical testing. Allele origin: germline.
Comment: This sequence change falls in intron 3 of the MSH3 gene. It does not directly change the encoded amino acid sequence of the MSH3 protein. This variant is not present in population databases (gnomAD no frequency). This variant has not been reported in the literature in individuals affected with MSH3-related conditions. ClinVar contains an entry for this variant (Variation ID: 2159992). Algorithms developed to predict the effect of sequence changes on RNA splicing suggest that this variant may disrupt the consensus splice site. In summary, the available evidence is currently insufficient to determine the role of this variant in disease. Therefore, it has been classified as a Variant of Uncertain Significance.

NM_002439.5(MSH3):c.580-19T>G

Gene: MSH3 (mutS homolog 3; plus strand). Cytogenetic location: 5q14.1.
Variant type: single nucleotide variant.
Coding change: c.580-19T>G on transcript NM_002439.5 (MANE Select); 19 bases into the intron before coding-DNA position 580, T replaced by G.
Molecular consequence: intron variant.
Genome position (GRCh38, 1-based): chr5:80,670,078, T>G. VCF-style: chr5-80670078-T-G. GRCh37 (hg19) VCF-style: chr5-79965897-T-G.
Identifiers: ClinVar variation 2159992 (VCV002159992.4), dbSNP rs2546720871, ClinGen allele CA2578350168.